The following is an entry in ClinVar:

NM_017415.3(KLHL3):c.1586A>G (p.Asn529Ser)

Gene: KLHL3 (kelch like family member 3; minus strand). Cytogenetic location: 5q31.2.
Variant type: single nucleotide variant.
Coding change: c.1586A>G on transcript NM_017415.3 (MANE Select); coding-DNA position 1586, A replaced by G.
Protein change: p.Asn529Ser; replaces asparagine 529 with serine.
Molecular consequence: missense variant.
Genome position (GRCh38, 1-based): chr5:137,628,302, T>C on the plus strand (A>G on the coding strand, the complement: KLHL3 is on the minus strand). VCF-style: chr5-137628302-T-C. GRCh37 (hg19) VCF-style: chr5-136963991-T-C.
Other names: c.1490A>G, p.Asn497Ser (NM_001257194.1); c.1340A>G, p.Asn447Ser (NM_001257195.2); c.1586A>G (NM_017415.2); short protein forms N497S, N447S, N529S.
Identifiers: ClinVar variation 3679716 (VCV003679716.3).

ClinVar aggregate classification (germline): Uncertain significance. Review status: criteria provided, multiple submitters, no conflicts (2 of 4 stars). 2 submissions from 2 submitters: Uncertain significance (2). Last evaluated 2026-02-18.

Submissions (2):

GeneDx
Classification: Uncertain significance. Last evaluated: 2026-02-18. Review status: criteria provided, single submitter. Criteria: GeneDx Variant Classification Process June 2021. Collection method: clinical testing. Allele origin: germline.
Comment: Not observed at significant frequency in large population cohorts (gnomAD); Has not been previously published as pathogenic or benign to our knowledge; In silico analysis supports that this missense variant has a deleterious effect on protein structure/function

Labcorp Genetics (formerly Invitae), Labcorp
Classification: Uncertain significance. Last evaluated: 2024-03-29. Review status: criteria provided, single submitter. Criteria: Invitae Variant Classification Sherloc (09022015). Collection method: clinical testing. Allele origin: germline.
Comment: This sequence change replaces asparagine, which is neutral and polar, with serine, which is neutral and polar, at codon 529 of the KLHL3 protein (p.Asn529Ser). This variant is not present in population databases (gnomAD no frequency). This missense change has been observed in individual(s) with clinical features of pseudohypoaldosteronism type 2 (Invitae). Advanced modeling of protein sequence and biophysical properties (such as structural, functional, and spatial information, amino acid conservation, physicochemical variation, residue mobility, and thermodynamic stability) performed at Invitae indicates that this missense variant is not expected to disrupt KLHL3 protein function with a negative predictive value of 80%. In summary, the available evidence is currently insufficient to determine the role of this variant in disease. Therefore, it has been classified as a Variant of Uncertain Significance.